The following is an entry in ClinVar:

NM_001099287.2(NIPAL4):c.318G>A (p.Trp106Ter)

Gene: NIPAL4 (NIPA like domain containing 4; plus strand). Cytogenetic location: 5q33.3.
Variant type: single nucleotide variant.
Coding change: c.318G>A on transcript NM_001099287.2 (MANE Select); coding-DNA position 318, G replaced by A.
Protein change: p.Trp106Ter; replaces tryptophan 106 with a stop codon.
Molecular consequence: nonsense. On other transcripts: intron variant (1).
Genome position (GRCh38, 1-based): chr5:157,467,089, G>A. VCF-style: chr5-157467089-G-A. GRCh37 (hg19) VCF-style: chr5-156894097-G-A.
Other names: c.278-1633G>A (NM_001172292.2); short protein forms W106*.
Identifiers: ClinVar variation 1445008 (VCV001445008.6), dbSNP rs2113663875, ClinGen allele CA361971703.

ClinVar aggregate classification (germline): Pathogenic (1 of 4 stars; one submission).

gnomAD v4.1: 1 of 1,612,622 alleles (0.000062%); highest among the groups gnomAD compares: Non-Finnish European, 0.000085%; no homozygotes.

Submission:

Labcorp Genetics (formerly Invitae), Labcorp
Classification: Pathogenic. Last evaluated: 2024-01-08. Review status: criteria provided, single submitter. Criteria: Invitae Variant Classification Sherloc (09022015). Collection method: clinical testing. Allele origin: germline.
Comment: This sequence change creates a premature translational stop signal (p.Trp168*) in the NIPAL4 gene. It is expected to result in an absent or disrupted protein product. Loss-of-function variants in NIPAL4 are known to be pathogenic (PMID: 15317751, 17557927). This variant is not present in population databases (gnomAD no frequency). This variant has not been reported in the literature in individuals affected with NIPAL4-related conditions. ClinVar contains an entry for this variant (Variation ID: 1445008). Algorithms developed to predict the effect of sequence changes on RNA splicing suggest that this variant may create or strengthen a splice site. For these reasons, this variant has been classified as Pathogenic.

Literature cited by the submitters: PubMed 15317751; PubMed 17557927.